The following is an entry in ClinVar:

NM_170707.4(LMNA):c.1670A>G (p.Asp557Gly)

Gene: LMNA (lamin A/C; plus strand). Cytogenetic location: 1q22.
Variant type: single nucleotide variant.
Coding change: c.1670A>G on transcript NM_170707.4 (MANE Select); coding-DNA position 1670, A replaced by G.
Protein change: p.Asp557Gly; replaces aspartic acid 557 with glycine.
Molecular consequence: missense variant. On other transcripts: intron variant (1).
Genome position (GRCh38, 1-based): chr1:156,137,715, A>G. VCF-style: chr1-156137715-A-G. GRCh37 (hg19) VCF-style: chr1-156107506-A-G.
Other names: c.1334A>G, p.Asp445Gly (NM_001257374.3); c.1427A>G, p.Asp476Gly (NM_001282624.2); c.1670A>G, p.Asp557Gly (NM_001282625.2, NM_001282626.2, NM_005572.4); c.1608+483A>G (NM_170708.4); short protein forms D445G, D476G, D557G.
Identifiers: ClinVar variation 1023201 (VCV001023201.8), dbSNP rs1651789945, ClinGen allele CA342825684.

ClinVar aggregate classification (germline): Uncertain significance (1 of 4 stars; one submission).

Conditions:
Charcot-Marie-Tooth disease type 2. Also called: Charcot-Marie-Tooth type 2. Identifiers: Orphanet 64746, MedGen C0270914, MONDO:0018993.

Allele frequency attached by ClinVar (database versions not stated): gnomAD exomes below 0.00001.
gnomAD v4.1: 1 of 1,554,216 alleles (0.000064%); highest among the groups gnomAD compares: African/African-American, 0.0014%; no homozygotes.

Submission:

Labcorp Genetics (formerly Invitae), Labcorp
Classification: Uncertain significance for Charcot-Marie-Tooth disease type 2. Last evaluated: 2024-03-01. Review status: criteria provided, single submitter. Criteria: Invitae Variant Classification Sherloc (09022015). Collection method: clinical testing. Allele origin: germline.
Comment: This sequence change replaces aspartic acid, which is acidic and polar, with glycine, which is neutral and non-polar, at codon 557 of the LMNA protein (p.Asp557Gly). This variant is not present in population databases (gnomAD no frequency). This variant has not been reported in the literature in individuals affected with LMNA-related conditions. ClinVar contains an entry for this variant (Variation ID: 1023201). Advanced modeling of protein sequence and biophysical properties (such as structural, functional, and spatial information, amino acid conservation, physicochemical variation, residue mobility, and thermodynamic stability) performed at Invitae indicates that this missense variant is expected to disrupt LMNA protein function with a positive predictive value of 95%. In summary, the available evidence is currently insufficient to determine the role of this variant in disease. Therefore, it has been classified as a Variant of Uncertain Significance.